The following is an entry in ClinVar:

NM_016222.4(DDX41):c.1343T>A (p.Ile448Asn)

Gene: DDX41 (DEAD-box helicase 41; minus strand). Cytogenetic location: 5q35.3.
Variant type: single nucleotide variant.
Coding change: c.1343T>A on transcript NM_016222.4 (MANE Select); coding-DNA position 1343, T replaced by A.
Protein change: p.Ile448Asn; replaces isoleucine 448 with asparagine.
Molecular consequence: missense variant.
Genome position (GRCh38, 1-based): chr5:177,512,836, A>T on the plus strand (T>A on the coding strand, the complement: DDX41 is on the minus strand). VCF-style: chr5-177512836-A-T. GRCh37 (hg19) VCF-style: chr5-176939837-A-T.
Other names: c.965T>A, p.Ile322Asn (NM_001321732.2, NM_001321830.2); short protein forms I322N, I448N.
Identifiers: ClinVar variation 4826044 (VCV004826044.1).

ClinVar aggregate classification (germline): Uncertain significance (1 of 4 stars; one submission).

Conditions:
Inborn genetic diseases. Identifiers: MedGen C0950123, MeSH D030342.

Submission:

Ambry Genetics
Classification: Uncertain significance for Inborn genetic diseases. Last evaluated: 2026-03-01. Review status: criteria provided, single submitter. Criteria: Ambry Variant Classification Scheme 2023. Collection method: clinical testing. Allele origin: germline.
Comment: The p.I448N variant (also known as c.1343T>A), located in coding exon 13 of the DDX41 gene, results from a T to A substitution at nucleotide position 1343. The isoleucine at codon 448 is replaced by asparagine, an amino acid with dissimilar properties. This amino acid position is conserved. In addition, this alteration is predicted to be deleterious by in silico analysis. Based on the available evidence, the clinical significance of this variant remains unclear.